The following is an entry in ClinVar:

NM_018451.5(CPAP):c.569-4T>C

Gene: CPAP (centrosome assembly and centriole elongation protein; minus strand). Cytogenetic location: 13q12.13.
Variant type: single nucleotide variant.
Coding change: c.569-4T>C on transcript NM_018451.5 (MANE Select); 4 bases into the intron before coding-DNA position 569, T replaced by C.
Molecular consequence: intron variant.
Genome position (GRCh38, 1-based): chr13:24,910,090, A>G on the plus strand (T>C on the coding strand, the complement: CPAP is on the minus strand). VCF-style: chr13-24910090-A-G. GRCh37 (hg19) VCF-style: chr13-25484228-A-G.
Identifiers: ClinVar variation 379493 (VCV000379493.10), dbSNP rs369506056, ClinGen allele CA6919960.
Genomic context (GRCh38, chr13:24,910,090, plus strand): 5'-TGGTATTTCCTGGAGACCTGTGCTTCTGGCTCTGATCATCAGGCAGTAAACTCAAACCTT[A>G]CAATTAAGAAATGCAACAAAGCTGATGACTTCCTTCAACATTTTCTCTTTTATCCCCAGT-3'

ClinVar aggregate classification (germline): Likely benign. Review status: criteria provided, multiple submitters, no conflicts (2 of 4 stars). 2 submissions from 2 submitters: Likely benign (2). Last evaluated 2025-07-06.

Allele frequency attached by ClinVar (database versions not stated): gnomAD exomes 0.00007 and 0.00008; ExAC 0.00011; gnomAD 0.00031 and 0.00033; TOPMed 0.00038; ESP Exome Variant Server 0.00062.
gnomAD v4.1: 151 of 1,610,826 alleles (0.0094%); highest among the groups gnomAD compares: African/African-American, 0.093%; no homozygotes.

Submissions (2):

Labcorp Genetics (formerly Invitae), Labcorp
Classification: Likely benign. Last evaluated: 2025-07-06. Review status: criteria provided, single submitter. Criteria: Invitae Variant Classification Sherloc (09022015). Collection method: clinical testing. Allele origin: germline.

GeneDx
Classification: Likely benign. Last evaluated: 2015-04-24. Review status: criteria provided, single submitter. Criteria: GeneDx Variant Classification (06012015). Collection method: clinical testing. Allele origin: germline. Affected: yes.
Comment: This variant is considered likely benign or benign based on one or more of the following criteria: it is a conservative change, it occurs at a poorly conserved position in the protein, it is predicted to be benign by multiple in silico algorithms, and/or has population frequency not consistent with disease.